The following is an entry in ClinVar:

ClinVar aggregate classification (germline): Uncertain significance (1 of 4 stars; one submission).

Submission:

GeneDx
Classification: Uncertain significance. Last evaluated: 2026-04-22. Review status: criteria provided, single submitter. Criteria: GeneDx Variant Classification Process June 2021. Collection method: clinical testing. Allele origin: germline.
Comment: Not observed at significant frequency in large population cohorts (gnomAD); In silico analysis supports that this missense variant has a deleterious effect on protein structure/function; Has not been previously published as pathogenic or benign to our knowledge

NM_001273.5(CHD4):c.755C>G (p.Pro252Arg)

Gene: CHD4 (chromodomain helicase DNA binding protein 4; minus strand). Cytogenetic location: 12p13.31.
Variant type: single nucleotide variant.
Coding change: c.755C>G on transcript NM_001273.5 (MANE Select); coding-DNA position 755, C replaced by G.
Protein change: p.Pro252Arg; replaces proline 252 with arginine.
Molecular consequence: missense variant.
Genome position (GRCh38, 1-based): chr12:6,601,333, G>C on the plus strand (C>G on the coding strand, the complement: CHD4 is on the minus strand). VCF-style: chr12-6601333-G-C. GRCh37 (hg19) VCF-style: chr12-6710499-G-C.
Other names: c.734C>G, p.Pro245Arg (NM_001297553.2); c.755C>G, p.Pro252Arg (NM_001363606.2); short protein forms P245R, P252R.
Identifiers: ClinVar variation 5037583 (VCV005037583.1).